The following is an entry in ClinVar:

NM_002253.4(KDR):c.1192G>A (p.Val398Ile)

Gene: KDR (kinase insert domain receptor; minus strand). Cytogenetic location: 4q12.
Variant type: single nucleotide variant.
Coding change: c.1192G>A on transcript NM_002253.4 (MANE Select); coding-DNA position 1192, G replaced by A.
Protein change: p.Val398Ile; replaces valine 398 with isoleucine.
Molecular consequence: missense variant.
Genome position (GRCh38, 1-based): chr4:55,110,466, C>T on the plus strand (G>A on the coding strand, the complement: KDR is on the minus strand). VCF-style: chr4-55110466-C-T. GRCh37 (hg19) VCF-style: chr4-55976633-C-T.
Other names: short protein forms V398I.
Identifiers: ClinVar variation 134620 (VCV000134620.1), dbSNP rs587778430, ClinGen allele CA160345.

ClinVar aggregate classification (germline): not provided (0 of 4 stars; one submission).

Allele frequency attached by ClinVar (database versions not stated): gnomAD 0.00001; ExAC 0.00002; gnomAD exomes 0.00001.

Submission:

ITMI
No classification provided. Condition: AllHighlyPenetrant. Last evaluated: 2013-09-19. Review status: no classification provided. Collection method: reference population. Allele origin: germline.
Comment: Please see associated publication for description of ethnicities

Literature cited by the submitters: PubMed 24728327.